The following is an entry in ClinVar:

NM_001365951.3(KIF1B):c.1126G>A (p.Val376Met)

Gene: KIF1B (kinesin family member 1B; plus strand). Cytogenetic location: 1p36.22.
Variant type: single nucleotide variant.
Coding change: c.1126G>A on transcript NM_001365951.3 (MANE Select); coding-DNA position 1126, G replaced by A.
Protein change: p.Val376Met; replaces valine 376 with methionine.
Molecular consequence: missense variant.
Genome position (GRCh38, 1-based): chr1:10,278,074, G>A. VCF-style: chr1-10278074-G-A. GRCh37 (hg19) VCF-style: chr1-10338132-G-A.
Other names: c.1126G>A, p.Val376Met (NM_001365952.1); c.1108G>A, p.Val370Met (NM_001365953.1, NM_015074.3, NM_183416.4); short protein forms V376M, V370M.
Identifiers: ClinVar variation 1794318 (VCV001794318.4), dbSNP rs762407227, ClinGen allele CA580891.
Genomic context (GRCh38, chr1:10,278,074, plus strand): 5'-TGCAATGCTGTTATCAATGAGGACCCCAATGCCAAACTGGTTCGTGAATTAAAGGAGGAG[G>A]TGACACGGCTGAAGGACCTTCTTCGTGCTCAGGGCCTGGGAGATATTATTGATAGTAAGT-3'
Protein context (NP_001352880.1, residues 366-386): AKLVRELKEE[Val376Met]TRLKDLLRAQ

ClinVar aggregate classification (germline): Uncertain significance (1 of 4 stars; one submission).

Allele frequency attached by ClinVar (database versions not stated): gnomAD exomes below 0.00001; TOPMed 0.00001; ExAC 0.00001; gnomAD 0.00001.
gnomAD v4.1: 3 of 1,613,954 alleles (0.00019%); highest among the groups gnomAD compares: Non-Finnish European, 0.00025%; no homozygotes.

Submission:

Ambry Genetics
Classification: Uncertain significance. Last evaluated: 2025-11-12. Review status: criteria provided, single submitter. Criteria: Ambry Variant Classification Scheme 2023. Collection method: clinical testing. Allele origin: germline.
Comment: The p.V370M variant (also known as c.1108G>A), located in coding exon 11 of the KIF1B gene, results from a G to A substitution at nucleotide position 1108. The valine at codon 370 is replaced by methionine, an amino acid with highly similar properties. This amino acid position is highly conserved in available vertebrate species. In addition, this alteration is predicted to be deleterious by in silico analysis. Since supporting evidence is limited at this time, the clinical significance of this alteration remains unclear.